The following is an entry in ClinVar:

NM_001048174.2(MUTYH):c.191A>G (p.Glu64Gly)

Gene: MUTYH (mutY DNA glycosylase; minus strand). Cytogenetic location: 1p34.1.
Variant type: single nucleotide variant.
Coding change: c.191A>G on transcript NM_001048174.2 (MANE Select); coding-DNA position 191, A replaced by G.
Protein change: p.Glu64Gly; replaces glutamic acid 64 with glycine.
Molecular consequence: missense variant. On other transcripts: 5 prime UTR variant (6), non-coding transcript variant (7).
Genome position (GRCh38, 1-based): chr1:45,333,486, T>C on the plus strand (A>G on the coding strand, the complement: MUTYH is on the minus strand). VCF-style: chr1-45333486-T-C. GRCh37 (hg19) VCF-style: chr1-45799158-T-C.
Other names: c.191A>G, p.Glu64Gly (NM_001048171.2, NM_001048173.2, NM_001407072.1 and 6 more transcripts); c.194A>G, p.Glu65Gly (NM_001048172.2, NM_001407078.1, NM_001407079.1 and 2 more transcripts); c.233A>G, p.Glu78Gly (NM_001407073.1, NM_001407083.1, NM_001407085.1); c.107A>G, p.Glu36Gly (NM_001407075.1); c.224A>G, p.Glu75Gly (NM_001407077.1, NM_001293191.2); c.-81A>G (NM_001407082.1, NM_001350650.2, NM_001350651.2); c.275A>G, p.Glu92Gly (NM_001128425.2); c.236A>G, p.Glu79Gly (NM_001293190.2); and 3 more; short protein forms E65G, E75G, E78G, E89G, E79G, E92G, E36G, E64G.
Identifiers: ClinVar variation 4113569 (VCV004113569.1).
Genomic context (GRCh38, chr1:45,333,486, plus strand): 5'-GGTAGGTCCCGTTTCTCTTGGTCGTACCAGCTTAGCAGGCTCCCTCGGAAGGCTGTGACT[T>C]CAGCTACGTCTCTGAATAGATGGTATGAGGAGACAGAGGCCTGCAATACCACCTCTTCCG-3'
Protein context (NP_001041639.1, residues 54-74): SSYHLFRDVA[Glu64Gly]VTAFRGSLLS

ClinVar aggregate classification (germline): Uncertain significance (1 of 4 stars; one submission).

Conditions:
Hereditary cancer-predisposing syndrome. Also called: Hereditary neoplastic syndrome; Neoplastic Syndromes, Hereditary; Tumor predisposition; Hereditary Cancer Syndrome. Identifiers: Orphanet 140162, MedGen C0027672, MeSH D009386, MONDO:0015356.

Submission:

Ambry Genetics
Classification: Uncertain significance for Hereditary cancer-predisposing syndrome. Last evaluated: 2025-08-27. Review status: criteria provided, single submitter. Criteria: Ambry Variant Classification Scheme 2023. Collection method: clinical testing. Allele origin: germline.
Comment: The p.E92G variant (also known as c.275A>G), located in coding exon 3 of the MUTYH gene, results from an A to G substitution at nucleotide position 275. The glutamic acid at codon 92 is replaced by glycine, an amino acid with similar properties. This amino acid position is conserved. In addition, the in silico prediction for this alteration is inconclusive. Based on the available evidence, the clinical significance of this variant remains unclear.